The following is an entry in ClinVar:

NM_001009944.3(PKD1):c.10993A>T (p.Lys3665Ter)

Genes: PKD1 (polycystin 1, transient receptor potential channel interacting; minus strand), PKD1-AS1 (PKD1 antisense RNA 1; plus strand). Cytogenetic location: 16p13.3.
Variant type: single nucleotide variant.
Coding change: c.10993A>T on transcript NM_001009944.3 (MANE Select); coding-DNA position 10993, A replaced by T.
Protein change: p.Lys3665Ter; replaces lysine 3665 with a stop codon.
Molecular consequence: nonsense.
Genome position (GRCh38, 1-based): chr16:2,093,567, T>A on the plus strand (A>T on the coding strand, the complement: PKD1 is on the minus strand). VCF-style: chr16-2093567-T-A. GRCh37 (hg19) VCF-style: chr16-2143568-T-A.
Other names: c.10990A>T, p.Lys3664Ter (NM_000296.4); short protein forms K3664*, K3665*.
Identifiers: ClinVar variation 4994432 (VCV004994432.1).

ClinVar aggregate classification (germline): Pathogenic (1 of 4 stars; one submission).

Conditions:
PKD1-related disorder. Also called: PKD1-related condition.

Submission:

PreventionGenetics, part of Exact Sciences
Classification: Pathogenic for PKD1-related condition. Last evaluated: 2025-09-04. Review status: criteria provided, single submitter. Criteria: ACMG Guidelines, 2015. Collection method: clinical testing. Allele origin: germline.
Comment: The PKD1 c.10993A>T variant is predicted to result in premature protein termination (p.Lys3665*). To our knowledge, this variant has not been reported in the literature or in a large population database (gnomAD), indicating this variant is rare. Nonsense variants in PKD1 are expected to be pathogenic. This variant is interpreted as pathogenic.